The following is an entry in ClinVar:

ClinVar aggregate classification (germline): Pathogenic (1 of 4 stars; one submission).

Conditions:
Cystic renal disease.

Submission:

Genetics Laboratory, Great Ormond Street Hospital NHS Foundation Trust, North Thames Genomic Laboratory Hub
Classification: Pathogenic for Cystic renal disease. Last evaluated: 2025-07-22. Review status: criteria provided, single submitter. Criteria: ACGS Best Practice Guidelines for Variant Classification in Rare Disease 2024 v1.2. Collection method: clinical testing. Allele origin: germline. Affected: yes.
Comment: PM2_moderate, PVS1_very-strong

NM_018051.5(DYNC2I1):c.1580dup (p.Asn527fs)

Gene: DYNC2I1 (dynein 2 intermediate chain 1; plus strand). Cytogenetic location: 7q36.3.
Variant type: Duplication.
Coding change: c.1580dup on transcript NM_018051.5 (MANE Select); coding-DNA position 1580, one base duplicated (A; older notation c.1580dupA).
Protein change: p.Asn527fs; shifts the reading frame from asparagine 527.
Molecular consequence: frameshift variant.
Genome position (GRCh38, 1-based): chr7:158,911,669, A duplicated; the last of 8 consecutive A bases (chr7:158,911,662-158,911,669); duplicating any one gives the same sequence. VCF-style (leftmost placement, unchanged base first): chr7-158911661-G-GA. GRCh37 (hg19) VCF-style: chr7-158704352-G-GA.
Other names: c.1442dup, p.Asn481fs (NM_001350914.2); c.1007dup, p.Asn336fs (NM_001350915.2); c.119dup, p.Asn40fs (NM_001350916.2); c.332dup, p.Asn111fs (NM_001350917.2, NM_001350918.2); short protein forms N111fs, N336fs, N40fs, N481fs, N527fs.
Identifiers: ClinVar variation 4086099 (VCV004086099.1).
Genomic context (GRCh38, chr7:158,911,661, plus strand): 5'-TTTCTCTCTCTTGGATCTACCACCAGTAAATGAATATGACATGTATATCAGAAACTTTGG[G>GA]AAAAAAAATACCAAGCAGGTAAGTATGAGATGTGTTAACTAAGTGATAAAATGCAAGTAA-3'